The following is an entry in ClinVar:

ClinVar aggregate classification (germline): Uncertain significance. Review status: criteria provided, multiple submitters, no conflicts (2 of 4 stars). 5 submissions from 5 submitters: Uncertain significance (5). Last evaluated 2025-05-13.

Conditions:
Inborn genetic diseases. Identifiers: MedGen C0950123, MeSH D030342.
Bethlem myopathy 1A. Also called: Bethlem myopathy 1; MYOPATHY, BENIGN CONGENITAL, WITH CONTRACTURES; Bethlem Muscular Dystrophy. Identifiers: Orphanet 610, MedGen CN029274, MONDO:0024530, OMIM 158810.

Allele frequency attached by ClinVar (database versions not stated): gnomAD 0.00001 and 0.00006; gnomAD exomes 0.00002 and 0.00005; ExAC 0.00003; TOPMed 0.00005; ESP Exome Variant Server 0.00015.
gnomAD v4.1: 69 of 1,613,302 alleles (0.0043%); highest among the groups gnomAD compares: Non-Finnish European, 0.0056%; no homozygotes.

Submissions (5):

Ambry Genetics
Classification: Uncertain significance for Inborn genetic diseases. Last evaluated: 2025-05-13. Review status: criteria provided, single submitter. Criteria: Ambry Variant Classification Scheme 2023. Collection method: clinical testing. Allele origin: germline.

Labcorp Genetics (formerly Invitae), Labcorp
Classification: Uncertain significance for Bethlem myopathy 1A. Last evaluated: 2024-08-17. Review status: criteria provided, single submitter. Criteria: Invitae Variant Classification Sherloc (09022015). Collection method: clinical testing. Allele origin: germline.
Comment: This sequence change replaces proline, which is neutral and non-polar, with leucine, which is neutral and non-polar, at codon 2157 of the COL6A3 protein (p.Pro2157Leu). This variant is present in population databases (rs372281922, gnomAD 0.008%). This variant has not been reported in the literature in individuals affected with COL6A3-related conditions. ClinVar contains an entry for this variant (Variation ID: 423522). An algorithm developed to predict the effect of missense changes on protein structure and function (PolyPhen-2) suggests that this variant is likely to be disruptive. In summary, the available evidence is currently insufficient to determine the role of this variant in disease. Therefore, it has been classified as a Variant of Uncertain Significance.

GeneDx
Classification: Uncertain significance. Last evaluated: 2024-05-19. Review status: criteria provided, single submitter. Criteria: GeneDx Variant Classification Process June 2021. Collection method: clinical testing. Allele origin: germline. Affected: yes.
Comment: In silico analysis supports that this missense variant has a deleterious effect on protein structure/function; Has not been previously published as pathogenic or benign to our knowledge

Mayo Clinic Laboratories, Mayo Clinic
Classification: Uncertain significance. Last evaluated: 2023-11-07. Review status: criteria provided, single submitter. Criteria: ACMG Guidelines, 2015. Collection method: clinical testing. Allele origin: germline. Observed: 1 variant allele.

Revvity Omics, Revvity
Classification: Uncertain significance. Last evaluated: 2021-04-06. Review status: criteria provided, single submitter. Criteria: ACMG Guidelines, 2015. Collection method: clinical testing. Allele origin: germline.

NM_004369.4(COL6A3):c.6470C>T (p.Pro2157Leu)

Gene: COL6A3 (collagen type VI alpha 3 chain; minus strand). Cytogenetic location: 2q37.3.
Variant type: single nucleotide variant.
Coding change: c.6470C>T on transcript NM_004369.4 (MANE Select); coding-DNA position 6470, C replaced by T.
Protein change: p.Pro2157Leu; replaces proline 2157 with leucine.
Molecular consequence: missense variant.
Genome position (GRCh38, 1-based): chr2:237,358,522, G>A on the plus strand (C>T on the coding strand, the complement: COL6A3 is on the minus strand). VCF-style: chr2-237358522-G-A. GRCh37 (hg19) VCF-style: chr2-238267165-G-A.
Other names: p.Pro2157Leu; c.4649C>T, p.Pro1550Leu (NM_057166.5); c.5852C>T, p.Pro1951Leu (NM_057167.4); short protein forms P2157L, P1550L, P1951L.
Identifiers: ClinVar variation 423522 (VCV000423522.16), dbSNP rs372281922, ClinGen allele CA2188281.